The following is an entry in ClinVar:

NM_007294.4(BRCA1):c.3465T>A (p.Asp1155Glu)

Genes: BRCA1 (BRCA1 DNA repair associated; minus strand), LOC126862571 (BRD4-independent group 4 enhancer GRCh37_chr17:41243136-41244335; plus strand). Cytogenetic location: 17q21.31.
Variant type: single nucleotide variant.
Coding change: c.3465T>A on transcript NM_007294.4 (MANE Select); coding-DNA position 3465, T replaced by A.
Protein change: p.Asp1155Glu; replaces aspartic acid 1155 with glutamic acid.
Molecular consequence: missense variant. On other transcripts: intron variant (135).
Genome position (GRCh38, 1-based): chr17:43,092,066, A>T on the plus strand (T>A on the coding strand, the complement: BRCA1 is on the minus strand). VCF-style: chr17-43092066-A-T. GRCh37 (hg19) VCF-style: chr17-41244083-A-T.
Other names: c.3324T>A, p.Asp1108Glu (NM_001407942.1, NM_001407944.1, NM_001407945.1 and 29 more transcripts); c.3321T>A, p.Asp1107Glu (NM_001407943.1, NM_001407740.1, NM_001407741.1 and 20 more transcripts); c.3132T>A, p.Asp1044Glu (NM_001407948.1, NM_001407946.1, NM_001407947.1 and 6 more transcripts); c.3465T>A, p.Asp1155Glu (NM_001407618.1, NM_001407619.1, NM_001407620.1 and 30 more transcripts); c.3462T>A, p.Asp1154Glu (NM_001407627.1, NM_001407628.1, NM_001407629.1 and 22 more transcripts); c.3456T>A, p.Asp1152Glu (NM_001407646.1, NM_001407647.1); c.3342T>A, p.Asp1114Glu (NM_001407648.1, NM_001407664.1, NM_001407665.1 and 19 more transcripts); c.3339T>A, p.Asp1113Glu (NM_001407649.1, NM_001407670.1, NM_001407671.1 and 11 more transcripts); and 41 more; short protein forms D1155E, D1108E, D1067E, D1113E, D1154E, D287E, D859E, D1043E.
Identifiers: ClinVar variation 922213 (VCV000922213.17), dbSNP rs1567791539, ClinGen allele CA10595053.

ClinVar aggregate classification (germline): Conflicting classifications of pathogenicity. Review status: criteria provided, conflicting classifications (1 of 4 stars). 4 submissions from 4 submitters: Uncertain significance (3); Likely benign (1). Last evaluated 2024-11-25.

Conditions:
Hereditary breast ovarian cancer syndrome. Also called: BRCA1- and BRCA2-Associated Hereditary Breast and Ovarian Cancer; Hereditary breast and ovarian cancer syndrome; Hereditary breast and ovarian cancer; Hereditary breast and ovarian cancer syndrome (HBOC); Breast and ovarian cancer; Hereditary breast and/or ovarian cancer syndrome. Identifiers: Orphanet 145, MedGen C0677776, MeSH D061325, MONDO:0003582. Disease mechanism: loss of function.
Hereditary cancer-predisposing syndrome. Also called: Neoplastic Syndromes, Hereditary; Tumor predisposition; Hereditary Cancer Syndrome; Hereditary neoplastic syndrome. Identifiers: Orphanet 140162, MedGen C0027672, MeSH D009386, MONDO:0015356.

Submissions (4):

Labcorp Genetics (formerly Invitae), Labcorp
Classification: Uncertain significance for Hereditary breast ovarian cancer syndrome. Last evaluated: 2024-11-25. Review status: criteria provided, single submitter. Criteria: Invitae Variant Classification Sherloc (09022015). Collection method: clinical testing. Allele origin: germline.
Comment: This sequence change replaces aspartic acid, which is acidic and polar, with glutamic acid, which is acidic and polar, at codon 1155 of the BRCA1 protein (p.Asp1155Glu). This variant is not present in population databases (gnomAD no frequency). This variant has not been reported in the literature in individuals affected with BRCA1-related conditions. ClinVar contains an entry for this variant (Variation ID: 922213). Invitae Evidence Modeling of protein sequence and biophysical properties (such as structural, functional, and spatial information, amino acid conservation, physicochemical variation, residue mobility, and thermodynamic stability) indicates that this missense variant is not expected to disrupt BRCA1 protein function with a negative predictive value of 80%. Algorithms developed to predict the effect of sequence changes on RNA splicing suggest that this variant may create or strengthen a splice site. In summary, the available evidence is currently insufficient to determine the role of this variant in disease. Therefore, it has been classified as a Variant of Uncertain Significance.

Color Diagnostics, LLC DBA Color Health
Classification: Uncertain significance for Hereditary cancer-predisposing syndrome. Last evaluated: 2023-04-03. Review status: criteria provided, single submitter. Criteria: ACMG Guidelines, 2015. Collection method: clinical testing. Allele origin: germline.
Comment: This missense variant replaces aspartic acid with glutamic acid at codon 1155 of the BRCA1 protein. Computational prediction is inconclusive regarding the impact of this variant on protein structure and function (internally defined REVEL score threshold 0.5 < inconclusive < 0.7, PMID: 27666373). To our knowledge, functional studies have not been reported for this variant. This variant has not been reported in individuals affected with BRCA1-related disorders in the literature. This variant has not been identified in the general population by the Genome Aggregation Database (gnomAD). The available evidence is insufficient to determine the role of this variant in disease conclusively. Therefore, this variant is classified as a Variant of Uncertain Significance.

University of Washington Department of Laboratory Medicine, University of Washington
Classification: Likely benign for Hereditary cancer-predisposing syndrome. Last evaluated: 2023-03-23. Review status: criteria provided, single submitter. Criteria: Dines et al. (Genet Med. 2020). Collection method: curation. Allele origin: germline.
Comment: Missense variant in a coldspot region where missense variants are very unlikely to be pathogenic (PMID:31911673).

BRCA1 coldspot (exon 11 using historical exon numbering). Reclassification based on statistical prior probability

Quest Diagnostics Nichols Institute San Juan Capistrano
Classification: Uncertain significance. Last evaluated: 2021-05-21. Review status: criteria provided, single submitter. Criteria: Quest Diagnostics criteria. Collection method: clinical testing. Allele origin: unknown.